The following is an entry in ClinVar:

NM_031935.3(HMCN1):c.13979G>A (p.Gly4660Glu)

Gene: HMCN1 (hemicentin 1; plus strand). Cytogenetic location: 1q31.1.
Variant type: single nucleotide variant.
Coding change: c.13979G>A on transcript NM_031935.3 (MANE Select); coding-DNA position 13979, G replaced by A.
Protein change: p.Gly4660Glu; replaces glycine 4660 with glutamic acid.
Molecular consequence: missense variant.
Genome position (GRCh38, 1-based): chr1:186,144,227, G>A. VCF-style: chr1-186144227-G-A. GRCh37 (hg19) VCF-style: chr1-186113359-G-A.
Other names: short protein forms G4660E.
Identifiers: ClinVar variation 2767655 (VCV002767655.3), dbSNP rs2528121218, ClinGen allele CA343914395.
Genomic context (GRCh38, chr1:186,144,227, plus strand): 5'-TTGCAGTTCATGGAGCATGGAGCGCTTGGCAGCCTTGGGGAACATGCAGCGAAAGTTGTG[G>A]GAAAGGTACTCAGACAAGAGCAAGACTTTGTAATAACCCACCACCAGCGTTTGGTGGGTC-3'
Protein context (NP_114141.2, residues 4650-4670): QPWGTCSESC[Gly4660Glu]KGTQTRARLC

ClinVar aggregate classification (germline): Uncertain significance (1 of 4 stars; one submission).

Submission:

Labcorp Genetics (formerly Invitae), Labcorp
Classification: Uncertain significance. Last evaluated: 2023-10-11. Review status: criteria provided, single submitter. Criteria: Invitae Variant Classification Sherloc (09022015). Collection method: clinical testing. Allele origin: germline.
Comment: This sequence change replaces glycine, which is neutral and non-polar, with glutamic acid, which is acidic and polar, at codon 4660 of the HMCN1 protein (p.Gly4660Glu). This variant is not present in population databases (gnomAD no frequency). This variant has not been reported in the literature in individuals affected with HMCN1-related conditions. An algorithm developed to predict the effect of missense changes on protein structure and function (PolyPhen-2) suggests that this variant is likely to be disruptive. In summary, the available evidence is currently insufficient to determine the role of this variant in disease. Therefore, it has been classified as a Variant of Uncertain Significance.